The following is an entry in ClinVar:

NM_145239.3(PRRT2):c.452C>A (p.Thr151Asn)

Genes: MVP-DT (MVP divergent transcript; minus strand), PRRT2 (proline rich transmembrane protein 2; plus strand). Cytogenetic location: 16p11.2.
Variant type: single nucleotide variant.
Coding change: c.452C>A on transcript NM_145239.3 (MANE Select); coding-DNA position 452, C replaced by A.
Protein change: p.Thr151Asn; replaces threonine 151 with asparagine.
Molecular consequence: missense variant.
Genome position (GRCh38, 1-based): chr16:29,813,506, C>A. VCF-style: chr16-29813506-C-A. GRCh37 (hg19) VCF-style: chr16-29824827-C-A.
Other names: c.452C>A, p.Thr151Asn (NM_001256442.2, NM_001256443.2, NM_001438120.1 and 2 more transcripts); short protein forms T151N.
Identifiers: ClinVar variation 4802980 (VCV004802980.1).

ClinVar aggregate classification (germline): Uncertain significance (1 of 4 stars; one submission).

Conditions:
Episodic kinesigenic dyskinesia (EKD). Also called: Paroxysmal kinesigenic dyskinesia. Identifiers: Orphanet 98809, MedGen C1868682, MONDO:0044202.

Submission:

Labcorp Genetics (formerly Invitae), Labcorp
Classification: Uncertain significance for Episodic kinesigenic dyskinesia. Last evaluated: 2025-04-17. Review status: criteria provided, single submitter. Criteria: Invitae Variant Classification Sherloc (09022015). Collection method: clinical testing. Allele origin: germline.
Comment: This sequence change replaces threonine, which is neutral and polar, with asparagine, which is neutral and polar, at codon 151 of the PRRT2 protein (p.Thr151Asn). This variant is not present in population databases (gnomAD no frequency). This variant has not been reported in the literature in individuals affected with PRRT2-related conditions. Invitae Evidence Modeling of protein sequence and biophysical properties (such as structural, functional, and spatial information, amino acid conservation, physicochemical variation, residue mobility, and thermodynamic stability) indicates that this missense variant is not expected to disrupt PRRT2 protein function with a negative predictive value of 95%. In summary, the available evidence is currently insufficient to determine the role of this variant in disease. Therefore, it has been classified as a Variant of Uncertain Significance.